The following is an entry in ClinVar:

ClinVar aggregate classification (germline): Uncertain significance (1 of 4 stars; one submission).

Conditions:
Cardiovascular phenotype. Identifiers: MedGen CN230736.

Submission:

Ambry Genetics
Classification: Uncertain significance for Cardiovascular phenotype. Last evaluated: 2024-10-24. Review status: criteria provided, single submitter. Criteria: Ambry Variant Classification Scheme 2023. Collection method: clinical testing. Allele origin: germline.
Comment: The p.A3125T variant (also known as c.9373G>A), located in coding exon 38 of the ANK2 gene, results from a G to A substitution at nucleotide position 9373. The alanine at codon 3125 is replaced by threonine, an amino acid with similar properties. This amino acid position is conserved. In addition, the in silico prediction for this alteration is inconclusive. Based on the available evidence, the clinical significance of this variant remains unclear.

NM_001148.6(ANK2):c.9373G>A (p.Ala3125Thr)

Gene: ANK2 (ankyrin 2; plus strand). Cytogenetic location: 4q26.
Variant type: single nucleotide variant.
Coding change: c.9373G>A on transcript NM_001148.6 (MANE Select); coding-DNA position 9373, G replaced by A.
Protein change: p.Ala3125Thr; replaces alanine 3125 with threonine.
Molecular consequence: missense variant. On other transcripts: intron variant (68).
Genome position (GRCh38, 1-based): chr4:113,357,991, G>A. VCF-style: chr4-113357991-G-A. GRCh37 (hg19) VCF-style: chr4-114279147-G-A.
Other names: c.9139G>A, p.Ala3047Thr (NM_001386142.1); c.5773G>A, p.Ala1925Thr (NM_001386166.1); c.9514G>A, p.Ala3172Thr (NM_001386174.1); c.9490G>A, p.Ala3164Thr (NM_001386175.1); c.4412-2832G>A (NM_001386186.2, NM_001386148.2); c.4214-2832G>A (NM_001354269.3); c.4292-2832G>A (NM_001386187.2); c.4253-2832G>A (NM_001386147.1); and 35 more; short protein forms A3125T, A3164T, A3172T, A1925T, A3047T.
Identifiers: ClinVar variation 3540214 (VCV003540214.1).